The following is an entry in ClinVar:

ClinVar aggregate classification (germline): Uncertain significance. Review status: criteria provided, multiple submitters, no conflicts (2 of 4 stars). 2 submissions from 2 submitters: Uncertain significance (2). Last evaluated 2023-11-04.

Conditions:
Focal segmental glomerulosclerosis 8 (FSGS8). Identifiers: Orphanet 656, MedGen C4014993, MONDO:0014462, OMIM 616032.

Allele frequency attached by ClinVar (database versions not stated): gnomAD exomes below 0.00001 and 0.00001; TOPMed below 0.00001; ExAC 0.00001; gnomAD 0.00001.
gnomAD v4.1: 3 of 1,612,562 alleles (0.00019%); highest among the groups gnomAD compares: Middle Eastern, 0.033%; no homozygotes.

Submissions (2):

Labcorp Genetics (formerly Invitae), Labcorp
Classification: Uncertain significance. Last evaluated: 2023-11-04. Review status: criteria provided, single submitter. Criteria: Invitae Variant Classification Sherloc (09022015). Collection method: clinical testing. Allele origin: germline.
Comment: This sequence change replaces lysine, which is basic and polar, with glutamic acid, which is acidic and polar, at codon 814 of the ANLN protein (p.Lys814Glu). This variant is present in population databases (rs778238903, gnomAD 0.0009%). This variant has not been reported in the literature in individuals affected with ANLN-related conditions. ClinVar contains an entry for this variant (Variation ID: 1026642). Advanced modeling of protein sequence and biophysical properties (such as structural, functional, and spatial information, amino acid conservation, physicochemical variation, residue mobility, and thermodynamic stability) performed at Invitae indicates that this missense variant is expected to disrupt ANLN protein function with a positive predictive value of 80%. In summary, the available evidence is currently insufficient to determine the role of this variant in disease. Therefore, it has been classified as a Variant of Uncertain Significance.

Fulgent Genetics
Classification: Uncertain significance for Focal segmental glomerulosclerosis 8. Last evaluated: 2022-03-10. Review status: criteria provided, single submitter. Criteria: ACMG Guidelines, 2015. Collection method: clinical testing. Allele origin: unknown.

NM_018685.5(ANLN):c.2440A>G (p.Lys814Glu)

Gene: ANLN (anillin, actin binding protein; plus strand). Cytogenetic location: 7p14.2.
Variant type: single nucleotide variant.
Coding change: c.2440A>G on transcript NM_018685.5 (MANE Select); coding-DNA position 2440, A replaced by G.
Protein change: p.Lys814Glu; replaces lysine 814 with glutamic acid.
Molecular consequence: missense variant.
Genome position (GRCh38, 1-based): chr7:36,422,773, A>G. VCF-style: chr7-36422773-A-G. GRCh37 (hg19) VCF-style: chr7-36462382-A-G.
Other names: c.2329A>G, p.Lys777Glu (NM_001284301.3); c.2326A>G, p.Lys776Glu (NM_001284302.3); short protein forms K776E, K777E, K814E.
Identifiers: ClinVar variation 1026642 (VCV001026642.9), dbSNP rs778238903, ClinGen allele CA4219862.